The following is an entry in ClinVar:

ClinVar aggregate classification (germline): Uncertain significance. Review status: criteria provided, multiple submitters, no conflicts (2 of 4 stars). 2 submissions from 2 submitters: Uncertain significance (2). Last evaluated 2024-01-24.

Conditions:
Polycystic lipomembranous osteodysplasia with sclerosing leukoencephalopathy 2. Also called: TREM2-Related Polycystic Lipomembranous Osteodysplasia with Sclerosing Leukoencephalopathy. Identifiers: MedGen C4748657, MONDO:0020750, OMIM 618193.

Allele frequency attached by ClinVar (database versions not stated): ExAC 0.00003; gnomAD exomes 0.00010 and 0.00004; ESP Exome Variant Server 0.00008; TOPMed 0.00008; gnomAD 0.00005.
gnomAD v4.1: 150 of 1,611,778 alleles (0.0093%); highest among the groups gnomAD compares: Non-Finnish European, 0.013%; no homozygotes.

Submissions (2):

Labcorp Genetics (formerly Invitae), Labcorp
Classification: Uncertain significance. Last evaluated: 2024-01-24. Review status: criteria provided, single submitter. Criteria: Invitae Variant Classification Sherloc (09022015). Collection method: clinical testing. Allele origin: germline.
Comment: This sequence change replaces serine, which is neutral and polar, with arginine, which is basic and polar, at codon 162 of the TREM2 protein (p.Ser162Arg). This variant is present in population databases (rs371702633, gnomAD 0.006%). This missense change has been observed in individual(s) with Alzheimer disease (PMID: 24119542, 32894242). ClinVar contains an entry for this variant (Variation ID: 1464436). An algorithm developed to predict the effect of missense changes on protein structure and function (PolyPhen-2) suggests that this variant¬†is likely to be tolerated. Experimental studies have shown that this missense change does not substantially affect TREM2 function (PMID: 27589997). In summary, the available evidence is currently insufficient to determine the role of this variant in disease. Therefore, it has been classified as a Variant of Uncertain Significance.

Fulgent Genetics
Classification: Uncertain significance for Polycystic lipomembranous osteodysplasia with sclerosing leukoencephalopathy 2. Last evaluated: 2021-11-09. Review status: criteria provided, single submitter. Criteria: ACMG Guidelines, 2015. Collection method: clinical testing. Allele origin: unknown.

Literature cited by the submitters: PubMed 24119542 (cited by Labcorp Genetics (formerly Invitae), Labcorp); PubMed 32894242 (cited by Labcorp Genetics (formerly Invitae), Labcorp); PubMed 27589997 (cited by Labcorp Genetics (formerly Invitae), Labcorp).

NM_018965.4(TREM2):c.486C>G (p.Ser162Arg)

Gene: TREM2 (triggering receptor expressed on myeloid cells 2; minus strand). Cytogenetic location: 6p21.1.
Variant type: single nucleotide variant.
Coding change: c.486C>G on transcript NM_018965.4 (MANE Select); coding-DNA position 486, C replaced by G.
Protein change: p.Ser162Arg; replaces serine 162 with arginine.
Molecular consequence: missense variant. On other transcripts: intron variant (1).
Genome position (GRCh38, 1-based): chr6:41,159,063, G>C on the plus strand (C>G on the coding strand, the complement: TREM2 is on the minus strand). VCF-style: chr6-41159063-G-C. GRCh37 (hg19) VCF-style: chr6-41126801-G-C.
Other names: c.483-283C>G (NM_001271821.2); short protein forms S162R.
Identifiers: ClinVar variation 1464436 (VCV001464436.5), dbSNP rs371702633, ClinGen allele CA3798850.